The following is an entry in ClinVar:

ClinVar aggregate classification (germline): Uncertain significance. Review status: criteria provided, multiple submitters, no conflicts (2 of 4 stars). 2 submissions from 2 submitters: Uncertain significance (2). Last evaluated 2025-11-19.

Conditions:
Idiopathic Pulmonary Fibrosis. Also called: Idiopathic fibrosing alveolitis, chronic form; idiopathic fibrosing alveolitis. Identifiers: Orphanet 2032, MedGen C1800706, MeSH D054990, MONDO:0800504.
Dyskeratosis congenita, autosomal dominant 2. Identifiers: MedGen C3151443, MONDO:0013521, OMIM 613989.
Dyskeratosis congenita. Identifiers: Orphanet 1775, MedGen C0265965, MONDO:0015780.

Allele frequency attached by ClinVar (database versions not stated): TOPMed below 0.00001.
gnomAD v4.1: 2 of 1,555,782 alleles (0.00013%); highest among the groups gnomAD compares: Non-Finnish European, 0.00017%; no homozygotes.

Submissions (2):

Ambry Genetics
Classification: Uncertain significance for Dyskeratosis congenita. Last evaluated: 2025-11-19. Review status: criteria provided, single submitter. Criteria: Ambry Variant Classification Scheme 2023. Collection method: clinical testing. Allele origin: germline.
Comment: The p.A417P variant (also known as c.1249G>C), located in coding exon 2 of the TERT gene, results from a G to C substitution at nucleotide position 1249. The alanine at codon 417 is replaced by proline, an amino acid with highly similar properties. This amino acid position is conserved. In addition, this alteration is predicted to be tolerated by in silico analysis. Based on the available evidence, the clinical significance of this variant remains unclear.

Labcorp Genetics (formerly Invitae), Labcorp
Classification: Uncertain significance for Dyskeratosis congenita, autosomal dominant 2; Idiopathic Pulmonary Fibrosis. Last evaluated: 2023-11-05. Review status: criteria provided, single submitter. Criteria: Invitae Variant Classification Sherloc (09022015). Collection method: clinical testing. Allele origin: germline.
Comment: This sequence change replaces alanine, which is neutral and non-polar, with proline, which is neutral and non-polar, at codon 417 of the TERT protein (p.Ala417Pro). This variant is not present in population databases (gnomAD no frequency). This variant has not been reported in the literature in individuals affected with TERT-related conditions. ClinVar contains an entry for this variant (Variation ID: 1463659). Advanced modeling of protein sequence and biophysical properties (such as structural, functional, and spatial information, amino acid conservation, physicochemical variation, residue mobility, and thermodynamic stability) has been performed at Invitae for this missense variant, however the output from this modeling did not meet the statistical confidence thresholds required to predict the impact of this variant on TERT protein function. In summary, the available evidence is currently insufficient to determine the role of this variant in disease. Therefore, it has been classified as a Variant of Uncertain Significance.

NM_198253.3(TERT):c.1249G>C (p.Ala417Pro)

Gene: TERT (telomerase reverse transcriptase; minus strand). Cytogenetic location: 5p15.33.
Variant type: single nucleotide variant.
Coding change: c.1249G>C on transcript NM_198253.3 (MANE Select); coding-DNA position 1249, G replaced by C.
Protein change: p.Ala417Pro; replaces alanine 417 with proline.
Molecular consequence: missense variant. On other transcripts: non-coding transcript variant (2).
Genome position (GRCh38, 1-based): chr5:1,293,637, C>G on the plus strand (G>C on the coding strand, the complement: TERT is on the minus strand). VCF-style: chr5-1293637-C-G. GRCh37 (hg19) VCF-style: chr5-1293752-C-G.
Other names: c.1249G>C, p.Ala417Pro (NM_001193376.3); c.1249G>C (NM_198253.2); short protein forms A417P.
Identifiers: ClinVar variation 1463659 (VCV001463659.7), dbSNP rs1238733587, ClinGen allele CA359086440.